The following is an entry in ClinVar:

NC_000016.9:g.(?_74746866)_(74808719_?)dup

Gene: FA2H (fatty acid 2-hydroxylase; minus strand). Cytogenetic location: 16q23.1.
Variant type: Duplication.
Identifiers: ClinVar variation 4847289 (VCV004847289.1).

ClinVar aggregate classification (germline): Uncertain significance (1 of 4 stars; one submission).

Submission:

Women's Health and Genetics/Laboratory Corporation of America, LabCorp
Classification: Uncertain significance. Last evaluated: 2026-03-12. Review status: criteria provided, single submitter. Criteria: LabCorp Variant Classification Summary - May 2015. Collection method: clinical testing. Allele origin: germline.
Comment: Variant summary: The variant involves the duplication of exons 1-7 in the FA2H gene. A presumed nomenclature of c.(?_-66)_(*1222_?)dup has been designated for the purposes of this classification. This duplication includes the entire coding sequence of the gene. As exact breakpoints are unknown, it may extend beyond the annotated region of the gene, to include other flanking genes. The variant was absent in 21694 control chromosomes. The available data on variant occurrences in the general population are insufficient to allow any conclusion about variant significance. To our knowledge, no occurrence of c.(?_-66)_(*1222_?)dup in individuals affected with FA2H-related conditions and no experimental evidence demonstrating its impact on protein function have been reported. No submitters have cited clinical-significance assessments for this variant to ClinVar. Based on the evidence outlined above, the variant was classified as uncertain significance.